The following is an entry in ClinVar:

NM_014271.4(IL1RAPL1):c.36C>T (p.Tyr12=)

Gene: IL1RAPL1 (interleukin 1 receptor accessory protein like 1; plus strand). Cytogenetic location: Xp21.3.
Variant type: single nucleotide variant.
Coding change: c.36C>T on transcript NM_014271.4 (MANE Select); coding-DNA position 36, C replaced by T.
Protein change: p.Tyr12=; no amino-acid change (tyrosine 12 retained).
Molecular consequence: synonymous variant.
Genome position (GRCh38, 1-based): chrX:28,789,379, C>T. VCF-style: chrX-28789379-C-T. GRCh37 (hg19) VCF-style: chrX-28807496-C-T.
Identifiers: ClinVar variation 368189 (VCV000368189.21), dbSNP rs148060509, ClinGen allele CA10375354.

ClinVar aggregate classification (germline): Benign/Likely benign. Review status: criteria provided, multiple submitters, no conflicts (2 of 4 stars). 6 submissions from 6 submitters: Benign (5); Likely benign (1). Last evaluated 2026-01-13.

Conditions:
Intellectual developmental disorder, X-linked 21. Also called: MENTAL RETARDATION, X-LINKED 34; Mental retardation, X-linked 21/34; Intellectual disability, X-linked 21. Identifiers: Orphanet 777, MedGen C5551510, MONDO:0010256, OMIM 300143.

Allele frequency attached by ClinVar (database versions not stated): gnomAD 0.00125 and 0.00132; gnomAD exomes 0.00150 and 0.00173; 1000 Genomes Project 0.00026; 1000 Genomes Project 30x 0.00042; ESP Exome Variant Server 0.00104; TOPMed 0.00138; ExAC 0.00174.
gnomAD v4.1: 1,813 of 1,208,183 alleles (0.15%); highest among the groups gnomAD compares: Non-Finnish European, 0.15%; 3 homozygotes.

Submissions (6):

Labcorp Genetics (formerly Invitae), Labcorp
Classification: Benign. Last evaluated: 2026-01-13. Review status: criteria provided, single submitter. Criteria: Invitae Variant Classification Sherloc (09022015). Collection method: clinical testing. Allele origin: germline.

Blueprint Genetics
Classification: Likely benign. Last evaluated: 2024-11-19. Review status: criteria provided, single submitter. Criteria: ACMG Guidelines, 2015. Collection method: clinical testing. Allele origin: germline.

GeneDx
Classification: Benign. Last evaluated: 2020-03-24. Review status: criteria provided, single submitter. Criteria: GeneDx Variant Classification Process June 2021. Collection method: clinical testing. Allele origin: germline. Affected: yes.

Illumina Laboratory Services, Illumina
Classification: Benign for Intellectual developmental disorder, X-linked 21. Last evaluated: 2018-01-13. Review status: criteria provided, single submitter. Criteria: ICSL Variant Classification Criteria 13 December 2019. Collection method: clinical testing. Allele origin: germline.
Comment: This variant was observed in the ICSL laboratory as part of a predisposition screen in an ostensibly healthy population. It had not been previously curated by ICSL or reported in the Human Gene Mutation Database (HGMD: prior to June 1st, 2018), and was therefore a candidate for classification through an automated scoring system. Utilizing variant allele frequency, disease prevalence and penetrance estimates, and inheritance mode, an automated score was calculated to assess if this variant is too frequent to cause the disease. Based on the score and internal cut-off values, a variant classified as benign is not then subjected to further curation. The score for this variant resulted in a classification of benign for this disease.

Genetic Services Laboratory, University of Chicago
Classification: Benign. Last evaluated: 2016-09-30. Review status: criteria provided, single submitter. Criteria: ACMG Guidelines, 2015. Collection method: clinical testing. Allele origin: germline. Affected: no.

Breakthrough Genomics
Classification: Benign. Review status: criteria provided, single submitter. Criteria: ACMG Guidelines, 2015. Collection method: not provided. Allele origin: germline. Inheritance: X-linked inheritance. Affected: yes.